The following continues an entry in ClinVar:

NM_000204.5(CFI):c.355G>A (p.Gly119Arg)

Gene: CFI. ClinVar aggregate classification (germline): Conflicting classifications of pathogenicity. Pathogenic (4); Likely pathogenic (1); Uncertain significance (5); Likely benign (1).

Submissions 12 to 15 of 15:

Mendelics
Classification: Established risk allele for Age related macular degeneration 13. Last evaluated: 2026-03-03. Review status: no assertion criteria provided. Collection method: clinical testing. Allele origin: unknown. Not counted in ClinVar's aggregate classification.
Comment: Variant NM_000204.5(CFI):c.355G>A (p.Gly119Arg) has GnomAD 4.1.0 frequency of 0.0007628 with 3 homozygotes. Supported by literature (e.g. PMID 23685748).

Sydney Genome Diagnostics, Children's Hospital Westmead
Classification: Uncertain significance for Atypical hemolytic-uremic syndrome. Last evaluated: 2019-02-21. Review status: no assertion criteria provided. Collection method: clinical testing. Allele origin: unknown. Affected: yes. Observed: 1 variant allele, 1 heterozygote. Not counted in ClinVar's aggregate classification.
Comment: This variant has been reported in the gnomAD browser with an allele frequency of 0.09% (110 out of 129,124 alleles) in the European non-Finnish population. This variant has been reported in the Database of complement gene variants as a VOUS in 16 individuals with aHUS with and without a second variant in CFI or another complement gene. p.Gly119Arg has been reported in ClinVar as a VOUS (variation ID 66014). p.Gly119Arg has also been reported to confer high risk of developing age-related macular degeneration (ARMD) (van de Ven et al 2013 Nat Genet 45:813-817 and Fritsche et al 2016 Nat Genet. 48:134-143). In vitro functional studies were performed by van de Ven et al 2013 and showed that the Gly119Arg mutant protein resulted in lower levels of expression and secretion compared to wild-type protein. This variant is considered to be a variant of uncertain clinical significance (VOUS) according to the ACMG guidelines (Evidence used: PS3).

OMIM
Classification: risk factor for MACULAR DEGENERATION, AGE-RELATED, 13, SUSCEPTIBILITY TO. Last evaluated: 2013-07-01. Review status: no assertion criteria provided. Collection method: literature only. Allele origin: germline. Not counted in ClinVar's aggregate classification.

OMIM
Classification: risk factor for HEMOLYTIC UREMIC SYNDROME, ATYPICAL, SUSCEPTIBILITY TO, 3. Last evaluated: 2013-07-01. Review status: no assertion criteria provided. Collection method: literature only. Allele origin: germline. Not counted in ClinVar's aggregate classification.

Literature cited by the submitters: PubMed 24036952 (cited by Women's Health and Genetics/Laboratory Corporation of America, LabCorp); PubMed 20513133 (cited by Women's Health and Genetics/Laboratory Corporation of America, LabCorp and OMIM); PubMed 32510551 (cited by 3 submitters); PubMed 35619721 (cited by Women's Health and Genetics/Laboratory Corporation of America, LabCorp and Genomenon, Inc); PubMed 23685748 (cited by 4 submitters); PubMed 39238643 (cited by Women's Health and Genetics/Laboratory Corporation of America, LabCorp and Mayo Clinic Laboratories, Mayo Clinic); PubMed 39584280 (cited by Women's Health and Genetics/Laboratory Corporation of America, LabCorp); PubMed 39049128 (cited by Women's Health and Genetics/Laboratory Corporation of America, LabCorp); 23307876 (cited by Genomenon, Inc); 30890598 (cited by Genomenon, Inc); 27268256 (cited by Genomenon, Inc); 34169201 (cited by Genomenon, Inc); 23431077 (cited by Genomenon, Inc); 33956337 (cited by Genomenon, Inc); 37466676 (cited by Genomenon, Inc); 22456601 (cited by Genomenon, Inc); 20513133 (cited by Genomenon, Inc); 28596415 (cited by Genomenon, Inc); 27799617 (cited by Genomenon, Inc); 35069568 (cited by Genomenon, Inc); 32510551 (cited by Genomenon, Inc); 23685748 (cited by Genomenon, Inc); 39238643 (cited by Genomenon, Inc); PubMed 29410599 (cited by Mayo Clinic Laboratories, Mayo Clinic); PubMed 32908800 (cited by Mayo Clinic Laboratories, Mayo Clinic and Center for Genomic Medicine, Rigshospitalet, Copenhagen University Hospital); PubMed 34153144 (cited by Mayo Clinic Laboratories, Mayo Clinic); PubMed 34169201 (cited by Mayo Clinic Laboratories, Mayo Clinic); PubMed 35069568 (cited by Mayo Clinic Laboratories, Mayo Clinic); PubMed 35325889 (cited by Mayo Clinic Laboratories, Mayo Clinic); PubMed 35526386 (cited by Mayo Clinic Laboratories, Mayo Clinic); PubMed 37291213 (cited by Mayo Clinic Laboratories, Mayo Clinic); PubMed 37369098 (cited by Mayo Clinic Laboratories, Mayo Clinic); PubMed 38852887 (cited by Mayo Clinic Laboratories, Mayo Clinic); PubMed 29888403 (cited by Center for Genomic Medicine, Rigshospitalet, Copenhagen University Hospital); PubMed 20203157 (cited by OMIM).